The following is an entry in ClinVar:

NM_020207.7(ERCC6L2):c.713G>T (p.Arg238Leu)

Gene: ERCC6L2 (ERCC excision repair 6 like 2; plus strand). Cytogenetic location: 9q22.32.
Variant type: single nucleotide variant.
Coding change: c.713G>T on transcript NM_020207.7 (MANE Select); coding-DNA position 713, G replaced by T.
Protein change: p.Arg238Leu; replaces arginine 238 with leucine.
Molecular consequence: missense variant. On other transcripts: non-coding transcript variant (1).
Genome position (GRCh38, 1-based): chr9:95,907,196, G>T. VCF-style: chr9-95907196-G-T. GRCh37 (hg19) VCF-style: chr9-98669478-G-T.
Other names: c.713G>T, p.Arg238Leu (NM_001010895.4, NM_001375291.1, NM_001375292.1 and 2 more transcripts); short protein forms R238L.
Identifiers: ClinVar variation 2417232 (VCV002417232.7), dbSNP rs142906169, ClinGen allele CA374121058.

ClinVar aggregate classification (germline): Uncertain significance. Review status: criteria provided, multiple submitters, no conflicts (2 of 4 stars). 2 submissions from 2 submitters: Uncertain significance (2). Last evaluated 2025-12-03.

Conditions:
Inborn genetic diseases. Identifiers: MedGen C0950123, MeSH D030342.

gnomAD v4.1: 44 of 1,613,344 alleles (0.0027%); highest among the groups gnomAD compares: Non-Finnish European, 0.0036%; no homozygotes.

Submissions (2):

Labcorp Genetics (formerly Invitae), Labcorp
Classification: Uncertain significance. Last evaluated: 2025-12-03. Review status: criteria provided, single submitter. Criteria: Invitae Variant Classification Sherloc (09022015). Collection method: clinical testing. Allele origin: germline.
Comment: This sequence change replaces arginine, which is basic and polar, with leucine, which is neutral and non-polar, at codon 249 of the ERCC6L2 protein (p.Arg249Leu). This variant is present in population databases (no rsID available, gnomAD 0.0009%). This variant has not been reported in the literature in individuals affected with ERCC6L2-related conditions. ClinVar contains an entry for this variant (Variation ID: 2417232). Experimental studies and prediction algorithms are not available or were not evaluated, and the functional significance of this variant is currently unknown. In summary, the available evidence is currently insufficient to determine the role of this variant in disease. Therefore, it has been classified as a Variant of Uncertain Significance.

Ambry Genetics
Classification: Uncertain significance for Inborn genetic diseases. Last evaluated: 2025-03-25. Review status: criteria provided, single submitter. Criteria: Ambry Variant Classification Scheme 2023. Collection method: clinical testing. Allele origin: germline.
Comment: The p.R238L variant (also known as c.713G>T), located in coding exon 4 of the ERCC6L2 gene, results from a G to T substitution at nucleotide position 713. The arginine at codon 238 is replaced by leucine, an amino acid with dissimilar properties. This amino acid position is conserved. In addition, this alteration is predicted to be deleterious by in silico analysis. Based on the available evidence, the clinical significance of this variant remains unclear.